The following is an entry in ClinVar:

NM_004006.3(DMD):c.10801dup (p.Gln3601fs)

Gene: DMD (dystrophin; minus strand). Cytogenetic location: Xp21.2.
Variant type: Duplication.
Coding change: c.10801dup on transcript NM_004006.3 (MANE Select); coding-DNA position 10801, one base duplicated (C; older notation c.10801dupC).
Protein change: p.Gln3601fs; shifts the reading frame from glutamine 3601.
Molecular consequence: frameshift variant.
Genome position (GRCh38, 1-based): chrX:31,146,411, G duplicated on the plus strand (C on the coding strand, the reverse complement: DMD is on the minus strand); the first of 4 consecutive G bases (chrX:31,146,411-31,146,414); duplicating any one gives the same sequence. VCF-style (leftmost placement, unchanged base first): chrX-31146410-T-TG. GRCh37 (hg19) VCF-style: chrX-31164527-T-TG.
Other names: c.10777dup, p.Gln3593fs (NM_000109.4); c.10789dup, p.Gln3597fs (NM_004009.3); c.10432dup, p.Gln3478fs (NM_004010.3); c.6778dup, p.Gln2260fs (NM_004011.4); c.6769dup, p.Gln2257fs (NM_004012.4); c.3421dup, p.Gln1141fs (NM_004013.3, NM_004021.3); c.2614dup, p.Gln872fs (NM_004014.3); c.1597dup, p.Gln533fs (NM_004015.3, NM_004016.3); and 4 more; short protein forms Q533fs, Q872fs, Q2257fs, Q3593fs, Q3601fs, Q1141fs, Q2260fs, Q3478fs.
Identifiers: ClinVar variation 3717007 (VCV003717007.3).

ClinVar aggregate classification (germline): Pathogenic/Likely pathogenic. Review status: criteria provided, multiple submitters, no conflicts (2 of 4 stars). 2 submissions from 2 submitters: Pathogenic (1); Likely pathogenic (1). Last evaluated 2025-01-14.

Conditions:
Duchenne muscular dystrophy (DMD). Also called: Duchenne Muscular Dystrophy (DMD); MUSCULAR DYSTROPHY, PSEUDOHYPERTROPHIC PROGRESSIVE, DUCHENNE TYPE. Identifiers: Orphanet 98896, MedGen C0013264, MONDO:0010679, OMIM 310200.

Submissions (2):

Revvity Omics, Revvity
Classification: Likely pathogenic. Last evaluated: 2025-01-14. Review status: criteria provided, single submitter. Criteria: ACMG Guidelines, 2015. Collection method: clinical testing. Allele origin: germline.

Labcorp Genetics (formerly Invitae), Labcorp
Classification: Pathogenic for Duchenne muscular dystrophy. Last evaluated: 2024-09-14. Review status: criteria provided, single submitter. Criteria: Invitae Variant Classification Sherloc (09022015). Collection method: clinical testing. Allele origin: germline.
Comment: This sequence change creates a premature translational stop signal (p.Gln3601Profs*42) in the DMD gene. It is expected to result in an absent or disrupted protein product. Loss-of-function variants in DMD are known to be pathogenic (PMID: 16770791, 25007885). This variant is not present in population databases (gnomAD no frequency). This variant has not been reported in the literature in individuals affected with DMD-related conditions. For these reasons, this variant has been classified as Pathogenic.

Literature cited by the submitters: PubMed 16770791 (cited by Labcorp Genetics (formerly Invitae), Labcorp); PubMed 25007885 (cited by Labcorp Genetics (formerly Invitae), Labcorp).